The following is an entry in ClinVar:

NM_153704.6(TMEM67):c.2339T>C (p.Leu780Ser)

Gene: TMEM67 (transmembrane protein 67; plus strand). Cytogenetic location: 8q22.1.
Variant type: single nucleotide variant.
Coding change: c.2339T>C on transcript NM_153704.6 (MANE Select); coding-DNA position 2339, T replaced by C.
Protein change: p.Leu780Ser; replaces leucine 780 with serine.
Molecular consequence: missense variant. On other transcripts: non-coding transcript variant (1).
Genome position (GRCh38, 1-based): chr8:93,804,778, T>C. VCF-style: chr8-93804778-T-C. GRCh37 (hg19) VCF-style: chr8-94817006-T-C.
Other names: c.2096T>C, p.Leu699Ser (NM_001142301.1); short protein forms L699S, L780S.
Identifiers: ClinVar variation 2442071 (VCV002442071.2), dbSNP rs1440302004, ClinGen allele CA371697949.
Genomic context (GRCh38, chr8:93,804,778, plus strand): 5'-TGCAGATGAGTTGCTATTTGCTTCTTTTTATTCTCTTTTTATAGATATCAGTGTTTCTGT[T>C]ATCCCACAAATGTTTTGGATATTACATTCATGGTAGATCAGTACATGGGCATGCAGATAC-3'
Protein context (NP_714915.3, residues 770-790): CSMSNISVFL[Leu780Ser]SHKCFGYYIH

ClinVar aggregate classification (germline): Uncertain significance. Review status: criteria provided, multiple submitters, no conflicts (2 of 4 stars). 2 submissions from 2 submitters: Uncertain significance (2). Last evaluated 2025-12-26.

Conditions:
TMEM67-related disorder. Also called: TMEM67-related condition; TMEM67-related disorders. Identifiers: MedGen CN239423.
Meckel syndrome, type 3 (MKS3). Also called: MECKEL-GRUBER SYNDROME, TYPE 3. Identifiers: Orphanet 564, MedGen C1846357, MONDO:0011821, OMIM 607361.

Allele frequency attached by ClinVar (database versions not stated): gnomAD exomes below 0.00001; TOPMed below 0.00001.
gnomAD v4.1: 1 of 1,596,206 alleles (0.000063%); highest among the groups gnomAD compares: Admixed American, 0.0017%; no homozygotes.

Submissions (2):

PreventionGenetics, part of Exact Sciences
Classification: Uncertain significance for TMEM67-related condition. Last evaluated: 2025-12-26. Review status: criteria provided, single submitter. Criteria: ACMG Guidelines, 2015. Collection method: clinical testing. Allele origin: germline.
Comment: The TMEM67 c.2339T>C variant is predicted to result in the amino acid substitution p.Leu780Ser. To our knowledge, this variant has not been reported in the literature. This variant is reported in 0.0029% of alleles in individuals of Latino descent in gnomAD. At this time, the clinical significance of this variant is uncertain due to the absence of conclusive functional and genetic evidence.

Baylor Genetics
Classification: Uncertain significance for Meckel syndrome, type 3. Last evaluated: 2022-03-30. Review status: criteria provided, single submitter. Criteria: ACMG Guidelines, 2015. Collection method: clinical testing. Allele origin: unknown.